The following is an entry in ClinVar:

NM_152564.5(VPS13B):c.5667G>A (p.Gly1889=)

Gene: VPS13B (vacuolar protein sorting 13 homolog B; plus strand). Cytogenetic location: 8q22.2.
Variant type: single nucleotide variant.
Coding change: c.5667G>A on transcript NM_152564.5 (MANE Select); coding-DNA position 5667, G replaced by A.
Protein change: p.Gly1889=; no amino-acid change (glycine 1889 retained).
Molecular consequence: synonymous variant.
Genome position (GRCh38, 1-based): chr8:99,642,257, G>A. VCF-style: chr8-99642257-G-A. GRCh37 (hg19) VCF-style: chr8-100654485-G-A.
Other names: c.5742G>A, p.Gly1914= (NM_017890.5); c.5667G>A (NM_152564.4).
Identifiers: ClinVar variation 1125243 (VCV001125243.11), dbSNP rs1196457576, ClinGen allele CA462464591.

ClinVar aggregate classification (germline): Likely benign. Review status: criteria provided, single submitter (1 of 4 stars). 2 submissions from 2 submitters: Likely benign (1). 1 of the submissions does not count toward it. Last evaluated 2024-09-05.

Conditions:
Cohen syndrome (COH1). Also called: Cutis verticis gyrata, retinitis pigmentosa, and sensorineural deafness; PEPPER SYNDROME. Identifiers: Orphanet 193, MedGen C0265223, MONDO:0008999, OMIM 216550.
VPS13B-related disorder. Also called: VPS13B-related condition.

Allele frequency attached by ClinVar (database versions not stated): gnomAD exomes 0.00001; TOPMed 0.00002; gnomAD 0.00003.
gnomAD v4.1: 19 of 1,613,966 alleles (0.0012%); highest among the groups gnomAD compares: African/African-American, 0.0027%; no homozygotes.

Submissions (2):

Labcorp Genetics (formerly Invitae), Labcorp
Classification: Likely benign for Cohen syndrome. Last evaluated: 2024-09-05. Review status: criteria provided, single submitter. Criteria: Invitae Variant Classification Sherloc (09022015). Collection method: clinical testing. Allele origin: germline.

PreventionGenetics, part of Exact Sciences
Classification: Likely benign for VPS13B-related condition. Last evaluated: 2022-03-08. Review status: no assertion criteria provided. Collection method: clinical testing. Allele origin: germline. Not counted in ClinVar's aggregate classification.
Comment: This variant is classified as likely benign based on ACMG/AMP sequence variant interpretation guidelines (Richards et al. 2015 PMID: 25741868, with internal and published modifications).